The following is an entry in ClinVar:

ClinVar aggregate classification (germline): Likely benign (1 of 4 stars; one submission).

Conditions:
Wilson disease (WND). Also called: Wilson's disease. Identifiers: Orphanet 905, MedGen C0019202, MONDO:0010200, OMIM 277900. Disease mechanism: loss of function.

Allele frequency attached by ClinVar (database versions not stated): gnomAD 0.00001.
gnomAD v4.1: 1 of 1,613,874 alleles (0.000062%); highest among the groups gnomAD compares: Non-Finnish European, 0.000085%; no homozygotes.

Submission:

All of Us Research Program, National Institutes of Health
Classification: Likely benign for Wilson disease. Last evaluated: 2023-09-17. Review status: criteria provided, single submitter. Criteria: ACMG Guidelines, 2015. Collection method: clinical testing. Allele origin: germline. Inheritance: Autosomal recessive inheritance. Observed: 1 variant allele, 1 heterozygote.
Comment: This study involves interpretation of variants in research participants for the purpose of population health screening. Participant phenotype was not available at the time of variant classification. Additional details can be found in publication PMID: 35346344, PMCID: PMC8962531

NM_000053.4(ATP7B):c.1356A>G (p.Thr452=)

Gene: ATP7B (ATPase copper transporting beta; minus strand). Cytogenetic location: 13q14.3.
Variant type: single nucleotide variant.
Coding change: c.1356A>G on transcript NM_000053.4 (MANE Select); coding-DNA position 1356, A replaced by G.
Protein change: p.Thr452=; no amino-acid change (threonine 452 retained).
Molecular consequence: synonymous variant. On other transcripts: intron variant (1).
Genome position (GRCh38, 1-based): chr13:51,970,679, T>C on the plus strand (A>G on the coding strand, the complement: ATP7B is on the minus strand). VCF-style: chr13-51970679-T-C. GRCh37 (hg19) VCF-style: chr13-52544815-T-C.
Other names: c.1356A>G, p.Thr452= (NM_001005918.3, NM_001330578.2, NM_001330579.2 and 28 more transcripts); c.1023A>G, p.Thr341= (NM_001243182.2); c.1260A>G, p.Thr420= (NM_001406517.1, NM_001406518.1, NM_001406530.1 and 3 more transcripts); c.927A>G, p.Thr309= (NM_001406539.1); c.1285+3256A>G (NM_001406548.1).
Identifiers: ClinVar variation 3073380 (VCV003073380.1), dbSNP rs1202099529, ClinGen allele CA483897964.